The following is an entry in ClinVar:

NM_004364.5(CEBPA):c.45G>A (p.Met15Ile)

Genes: CEBPA (CCAAT enhancer binding protein alpha; minus strand), LOC130064183 (ATAC-STARR-seq lymphoblastoid silent region 10495; plus strand). Cytogenetic location: 19q13.11.
Variant type: single nucleotide variant.
Coding change: c.45G>A on transcript NM_004364.5 (MANE Select); coding-DNA position 45, G replaced by A.
Protein change: p.Met15Ile; replaces methionine 15 with isoleucine.
Molecular consequence: missense variant. On other transcripts: 5 prime UTR variant (1), initiator codon variant (1).
Genome position (GRCh38, 1-based): chr19:33,302,370, C>T on the plus strand (G>A on the coding strand, the complement: CEBPA is on the minus strand). VCF-style: chr19-33302370-C-T. GRCh37 (hg19) VCF-style: chr19-33793276-C-T.
Other names: c.-313G>A (NM_001285829.2); c.150G>A, p.Met50Ile (NM_001287424.2); c.3G>A, p.Met1Ile (NM_001287435.2); short protein forms M15I, M1I, M50I.
Identifiers: ClinVar variation 1016935 (VCV001016935.11), dbSNP rs1366281839, ClinGen allele CA405275796.

ClinVar aggregate classification (germline): Uncertain significance. Review status: criteria provided, multiple submitters, no conflicts (2 of 4 stars). 2 submissions from 2 submitters: Uncertain significance (2). Last evaluated 2024-05-06.

Conditions:
Acute myeloid leukemia (AML). Also called: Acute myeloid leukemia, adult; AML adult; Acute non-lymphocytic leukemia; Acute granulocytic leukemia; Leukemia, acute myelogenous, somatic; Leukemia, acute myeloid, somatic. Identifiers: Orphanet 519, MedGen C0023467, MeSH D015470, MONDO:0018874, OMIM 601626, HP:0004808. Disease mechanism: Constitutively activated FLT3.

Allele frequency attached by ClinVar (database versions not stated): gnomAD exomes 0.00002; gnomAD 0.00001; TOPMed 0.00001.

Submissions (2):

Labcorp Genetics (formerly Invitae), Labcorp
Classification: Uncertain significance for Acute myeloid leukemia. Last evaluated: 2024-05-06. Review status: criteria provided, single submitter. Criteria: Invitae Variant Classification Sherloc (09022015). Collection method: clinical testing. Allele origin: germline.
Comment: This sequence change replaces methionine, which is neutral and non-polar, with isoleucine, which is neutral and non-polar, at codon 15 of the CEBPA protein (p.Met15Ile). This variant is not present in population databases (gnomAD no frequency). This variant has not been reported in the literature in individuals affected with CEBPA-related conditions. ClinVar contains an entry for this variant (Variation ID: 1016935). Advanced modeling of protein sequence and biophysical properties (such as structural, functional, and spatial information, amino acid conservation, physicochemical variation, residue mobility, and thermodynamic stability) performed at Invitae indicates that this missense variant is not expected to disrupt CEBPA protein function with a negative predictive value of 80%. In summary, the available evidence is currently insufficient to determine the role of this variant in disease. Therefore, it has been classified as a Variant of Uncertain Significance.

Baylor Genetics
Classification: Uncertain significance for Acute myeloid leukemia. Last evaluated: 2024-03-13. Review status: criteria provided, single submitter. Criteria: ACMG Guidelines, 2015. Collection method: clinical testing. Allele origin: unknown.